The following is an entry in ClinVar:

NM_001382391.1(CSPP1):c.2887C>T (p.Pro963Ser)

Gene: CSPP1 (centrosome and spindle pole associated protein 1; plus strand). Cytogenetic location: 8q13.2.
Variant type: single nucleotide variant.
Coding change: c.2887C>T on transcript NM_001382391.1 (MANE Select); coding-DNA position 2887, C replaced by T.
Protein change: p.Pro963Ser; replaces proline 963 with serine.
Molecular consequence: missense variant.
Genome position (GRCh38, 1-based): chr8:67,172,474, C>T. VCF-style: chr8-67172474-C-T. GRCh37 (hg19) VCF-style: chr8-68084709-C-T.
Other names: c.1837C>T, p.Pro613Ser (NM_001291339.2); c.2806C>T, p.Pro936Ser (NM_001363131.2); c.2692C>T, p.Pro898Ser (NM_001363132.2); c.2611C>T, p.Pro871Ser (NM_001363133.2); c.2953C>T, p.Pro985Ser (NM_001364869.1); c.2773C>T, p.Pro925Ser (NM_001364870.1); c.2872C>T, p.Pro958Ser (NM_024790.7); short protein forms P958S, P871S, P898S, P936S, P985S, P613S, P925S, P963S.
Identifiers: ClinVar variation 445840 (VCV000445840.4), dbSNP rs770066826, ClinGen allele CA4770982.

ClinVar aggregate classification (germline): Uncertain significance. Review status: criteria provided, multiple submitters, no conflicts (2 of 4 stars). 2 submissions from 2 submitters: Uncertain significance (2). Last evaluated 2022-04-19.

Conditions:
Joubert syndrome 21 (JBTS21). Identifiers: MedGen C3810212, MONDO:0014288, OMIM 615636.

Allele frequency attached by ClinVar (database versions not stated): gnomAD exomes 0.00003 and below 0.00001; ExAC 0.00001.
gnomAD v4.1: 38 of 1,613,278 alleles (0.0024%); highest among the groups gnomAD compares: Non-Finnish European, 0.0032%; no homozygotes.

Submissions (2):

Labcorp Genetics (formerly Invitae), Labcorp
Classification: Uncertain significance for Joubert syndrome 21. Last evaluated: 2022-04-19. Review status: criteria provided, single submitter. Criteria: Invitae Variant Classification Sherloc (09022015). Collection method: clinical testing. Allele origin: germline.
Comment: This sequence change replaces proline, which is neutral and non-polar, with serine, which is neutral and polar, at codon 958 of the CSPP1 protein (p.Pro958Ser). This variant is present in population databases (rs770066826, gnomAD 0.0009%). This variant has not been reported in the literature in individuals affected with CSPP1-related conditions. ClinVar contains an entry for this variant (Variation ID: 445840). Algorithms developed to predict the effect of missense changes on protein structure and function are either unavailable or do not agree on the potential impact of this missense change (SIFT: "Deleterious"; PolyPhen-2: "Probably Damaging"; Align-GVGD: "Class C0"). In summary, the available evidence is currently insufficient to determine the role of this variant in disease. Therefore, it has been classified as a Variant of Uncertain Significance.

Center for Pediatric Genomic Medicine, Children's Mercy Hospital and Clinics
Classification: Uncertain significance. Last evaluated: 2017-06-02. Review status: criteria provided, single submitter. Criteria: ACMG Guidelines, 2015. Collection method: clinical testing. Allele origin: germline.